The following is an entry in ClinVar:

ClinVar aggregate classification (germline): Likely benign (1 of 4 stars; one submission).

Submission:

CeGaT Center for Human Genetics Tuebingen
Classification: Likely benign. Last evaluated: 2026-07-01. Review status: criteria provided, single submitter. Criteria: CeGaT Center For Human Genetics Tuebingen Variant Classification Criteria Version 2. Collection method: clinical testing. Allele origin: germline. Affected: yes. Observed: 8 variant alleles.
Comment: MUC21: BP4, BP7

NM_001010909.5(MUC21):c.696G>A (p.Thr232=)

Genes: MUC21 (mucin 21, cell surface associated; plus strand), LOC126859647 (CDK7 strongly-dependent group 2 enhancer GRCh37_chr6:30954612-30955811; plus strand). Cytogenetic location: 6p21.33.
Variant type: single nucleotide variant.
Coding change: c.696G>A on transcript NM_001010909.5 (MANE Select); coding-DNA position 696, G replaced by A.
Protein change: p.Thr232=; no amino-acid change (threonine 232 retained).
Molecular consequence: synonymous variant. On other transcripts: non-coding transcript variant (1).
Genome position (GRCh38, 1-based): chr6:30,986,871, G>A. VCF-style: chr6-30986871-G-A. GRCh37 (hg19) VCF-style: chr6-30954648-G-A.
Other names: c.786G>A, p.Thr262= (NM_001322370.2, NM_001322371.2).
Identifiers: ClinVar variation 2656356 (VCV002656356.24), dbSNP rs375957504, ClinGen allele CA136799922.